The following is an entry in ClinVar:

ClinVar aggregate classification (germline): Uncertain significance (1 of 4 stars; one submission).

Allele frequency attached by ClinVar (database versions not stated): ExAC 0.00002; gnomAD exomes 0.00002 and 0.00003; TOPMed 0.00002; gnomAD 0.00003; 1000 Genomes Project 30x 0.00016; 1000 Genomes Project 0.00020.
gnomAD v4.1: 44 of 1,614,088 alleles (0.0027%); highest among the groups gnomAD compares: East Asian, 0.0067%; no homozygotes.

Submission:

Labcorp Genetics (formerly Invitae), Labcorp
Classification: Uncertain significance. Last evaluated: 2024-10-16. Review status: criteria provided, single submitter. Criteria: Invitae Variant Classification Sherloc (09022015). Collection method: clinical testing. Allele origin: germline.
Comment: This sequence change replaces arginine, which is basic and polar, with histidine, which is basic and polar, at codon 728 of the ORC1 protein (p.Arg728His). This variant is present in population databases (rs139719426, gnomAD 0.007%). This variant has not been reported in the literature in individuals affected with ORC1-related conditions. ClinVar contains an entry for this variant (Variation ID: 1388103). Invitae Evidence Modeling of protein sequence and biophysical properties (such as structural, functional, and spatial information, amino acid conservation, physicochemical variation, residue mobility, and thermodynamic stability) indicates that this missense variant is expected to disrupt ORC1 protein function with a positive predictive value of 80%. In summary, the available evidence is currently insufficient to determine the role of this variant in disease. Therefore, it has been classified as a Variant of Uncertain Significance.

NM_004153.4(ORC1):c.2183G>A (p.Arg728His)

Gene: ORC1 (origin recognition complex subunit 1; minus strand). Cytogenetic location: 1p32.3.
Variant type: single nucleotide variant.
Coding change: c.2183G>A on transcript NM_004153.4 (MANE Select); coding-DNA position 2183, G replaced by A.
Protein change: p.Arg728His; replaces arginine 728 with histidine.
Molecular consequence: missense variant.
Genome position (GRCh38, 1-based): chr1:52,375,550, C>T on the plus strand (G>A on the coding strand, the complement: ORC1 is on the minus strand). VCF-style: chr1-52375550-C-T. GRCh37 (hg19) VCF-style: chr1-52841222-C-T.
Other names: c.2183G>A, p.Arg728His (NM_001190818.2); c.2168G>A, p.Arg723His (NM_001190819.2); short protein forms R728H, R723H.
Identifiers: ClinVar variation 1388103 (VCV001388103.4), dbSNP rs139719426, ClinGen allele CA853096.